The following is an entry in ClinVar:

ClinVar aggregate classification (germline): Benign/Likely benign. Review status: criteria provided, multiple submitters, no conflicts (2 of 4 stars). 3 submissions from 3 submitters: Benign (1); Likely benign (1). 1 of the submissions does not count toward it. Last evaluated 2025-09-25.

Conditions:
KIAA0753-related disorder.

Allele frequency attached by ClinVar (database versions not stated): gnomAD exomes 0.00037; ExAC 0.00051; 1000 Genomes Project 0.00140; gnomAD 0.00147 and 0.00160; TOPMed 0.00161; 1000 Genomes Project 30x 0.00187; ESP Exome Variant Server 0.00234.
gnomAD v4.1: 403 of 1,613,666 alleles (0.025%); highest among the groups gnomAD compares: African/African-American, 0.51%; 2 homozygotes.

Submissions (3):

Labcorp Genetics (formerly Invitae), Labcorp
Classification: Benign. Last evaluated: 2025-09-25. Review status: criteria provided, single submitter. Criteria: Invitae Variant Classification Sherloc (09022015). Collection method: clinical testing. Allele origin: germline.

Blueprint Genetics
Classification: Likely benign. Last evaluated: 2024-11-14. Review status: criteria provided, single submitter. Criteria: ACMG Guidelines, 2015. Collection method: clinical testing. Allele origin: germline.

PreventionGenetics, part of Exact Sciences
Classification: Likely benign for KIAA0753-related condition. Last evaluated: 2019-11-26. Review status: no assertion criteria provided. Collection method: clinical testing. Allele origin: germline. Not counted in ClinVar's aggregate classification.
Comment: This variant is classified as likely benign based on ACMG/AMP sequence variant interpretation guidelines (Richards et al. 2015 PMID: 25741868, with internal and published modifications).

NM_014804.3(KIAA0753):c.2662C>G (p.Pro888Ala)

Gene: KIAA0753 (KIAA0753; minus strand). Cytogenetic location: 17p13.1.
Variant type: single nucleotide variant.
Coding change: c.2662C>G on transcript NM_014804.3 (MANE Select); coding-DNA position 2662, C replaced by G.
Protein change: p.Pro888Ala; replaces proline 888 with alanine.
Molecular consequence: missense variant. On other transcripts: non-coding transcript variant (3).
Genome position (GRCh38, 1-based): chr17:6,589,903, G>C on the plus strand (C>G on the coding strand, the complement: KIAA0753 is on the minus strand). VCF-style: chr17-6589903-G-C. GRCh37 (hg19) VCF-style: chr17-6493223-G-C.
Other names: c.1765C>G, p.Pro589Ala (NM_001351225.2); c.2662C>G (NM_014804.2); short protein forms P589A, P888A.
Identifiers: ClinVar variation 1627731 (VCV001627731.11), dbSNP rs145708496, ClinGen allele CA8330082.